The following is an entry in ClinVar:

ClinVar aggregate classification (germline): Uncertain significance. Review status: criteria provided, multiple submitters, no conflicts (2 of 4 stars). 3 submissions from 3 submitters: Uncertain significance (3). Last evaluated 2023-07-18.

Conditions:
BAP1-related tumor predisposition syndrome (TPDS1). Also called: Tumor susceptibility linked to germline BAP1 mutations; BAP1 tumor predisposition syndrome; TUMOR PREDISPOSITION SYNDROME 1; COMMON Syndrome. Identifiers: Orphanet 289539, MedGen C3280492, MONDO:0013692, OMIM 614327.
Hereditary cancer-predisposing syndrome. Also called: Tumor predisposition; Hereditary Cancer Syndrome; Hereditary neoplastic syndrome; Neoplastic Syndromes, Hereditary. Identifiers: Orphanet 140162, MedGen C0027672, MeSH D009386, MONDO:0015356.

Submissions (3):

GeneDx
Classification: Uncertain significance. Last evaluated: 2023-07-18. Review status: criteria provided, single submitter. Criteria: GeneDx Variant Classification Process June 2021. Collection method: clinical testing. Allele origin: germline. Affected: yes.
Comment: Not observed at significant frequency in large population cohorts (gnomAD); In silico analysis supports that this missense variant does not alter protein structure/function; Has not been previously published as pathogenic or benign to our knowledge

Ambry Genetics
Classification: Uncertain significance for Hereditary cancer-predisposing syndrome. Last evaluated: 2022-06-20. Review status: criteria provided, single submitter. Criteria: Ambry Variant Classification Scheme 2023. Collection method: clinical testing. Allele origin: germline.
Comment: The p.N330D variant (also known as c.988A>G), located in coding exon 11 of the BAP1 gene, results from an A to G substitution at nucleotide position 988. The asparagine at codon 330 is replaced by aspartic acid, an amino acid with highly similar properties. This amino acid position is conserved. In addition, this alteration is predicted to be tolerated by in silico analysis. Since supporting evidence is limited at this time, the clinical significance of this alteration remains unclear.

Labcorp Genetics (formerly Invitae), Labcorp
Classification: Uncertain significance for BAP1-related tumor predisposition syndrome. Last evaluated: 2021-11-05. Review status: criteria provided, single submitter. Criteria: Invitae Variant Classification Sherloc (09022015). Collection method: clinical testing. Allele origin: germline.
Comment: In summary, the available evidence is currently insufficient to determine the role of this variant in disease. Therefore, it has been classified as a Variant of Uncertain Significance. Algorithms developed to predict the effect of missense changes on protein structure and function (SIFT, PolyPhen-2, Align-GVGD) all suggest that this variant is likely to be tolerated. This variant has not been reported in the literature in individuals affected with BAP1-related conditions. This variant is not present in population databases (gnomAD no frequency). This sequence change replaces asparagine, which is neutral and polar, with aspartic acid, which is acidic and polar, at codon 330 of the BAP1 protein (p.Asn330Asp).

NM_004656.4(BAP1):c.988A>G (p.Asn330Asp)

Gene: BAP1 (BRCA1 associated deubiquitinase 1; minus strand). Cytogenetic location: 3p21.1.
Variant type: single nucleotide variant.
Coding change: c.988A>G on transcript NM_004656.4 (MANE Select); coding-DNA position 988, A replaced by G.
Protein change: p.Asn330Asp; replaces asparagine 330 with aspartic acid.
Molecular consequence: missense variant.
Genome position (GRCh38, 1-based): chr3:52,405,238, T>C on the plus strand (A>G on the coding strand, the complement: BAP1 is on the minus strand). VCF-style: chr3-52405238-T-C. GRCh37 (hg19) VCF-style: chr3-52439254-T-C.
Other names: c.988A>G (NM_004656.3); short protein forms N330D.
Identifiers: ClinVar variation 1444564 (VCV001444564.11), dbSNP rs2153227061, ClinGen allele CA353106082.